The following is an entry in ClinVar:

ClinVar aggregate classification (germline): Uncertain significance (1 of 4 stars; one submission).

Conditions:
Rauch-Steindl syndrome (RAUST). Identifiers: Orphanet 659642, MedGen C5562061, MONDO:0859219, OMIM 619695.

gnomAD v4.1: 8 of 1,613,826 alleles (0.0005%); highest among the groups gnomAD compares: African/African-American, 0.0027%; no homozygotes.

Submission:

Juno Genomics, Hangzhou Juno Genomics, Inc
Classification: Uncertain significance for Rauch-Steindl syndrome. Review status: criteria provided, single submitter. Criteria: ACMG Guidelines, 2015. Collection method: clinical testing. Allele origin: germline.
Comment: Absent from controls (or at extremely low frequency if recessive) in Genome Aggregation Database.;Missense variant in a gene that has a low rate of benign missense variation.;Located in a mutational hot spot and/or critical and well-established functional domain without benign variation.

NM_001042424.3(NSD2):c.2839C>T (p.Arg947Cys)

Gene: NSD2 (nuclear receptor binding SET domain protein 2; plus strand). Cytogenetic location: 4p16.3.
Variant type: single nucleotide variant.
Coding change: c.2839C>T on transcript NM_001042424.3 (MANE Select); coding-DNA position 2839, C replaced by T.
Protein change: p.Arg947Cys; replaces arginine 947 with cysteine.
Molecular consequence: missense variant.
Genome position (GRCh38, 1-based): chr4:1,956,146, C>T. VCF-style: chr4-1956146-C-T. GRCh37 (hg19) VCF-style: chr4-1957873-C-T.
Other names: c.2839C>T, p.Arg947Cys (NM_001440892.1, NM_001440894.1, NM_001440895.1 and 3 more transcripts); c.2938C>T, p.Arg980Cys (NM_001440893.1); c.2638C>T, p.Arg880Cys (NM_001440896.1); c.2632C>T, p.Arg878Cys (NM_001440897.1, NM_001440898.1); c.1870C>T, p.Arg624Cys (NM_001440899.1, NM_001440900.1); short protein forms R624C, R947C, R980C, R878C, R880C.
Identifiers: ClinVar variation 5006765 (VCV005006765.2).